The following is an entry in ClinVar:

ClinVar aggregate classification (germline): Benign/Likely benign. Review status: criteria provided, multiple submitters, no conflicts (2 of 4 stars). 3 submissions from 3 submitters: Benign (1); Likely benign (2). Last evaluated 2025-02-06.

Conditions:
POLD1-related polyposis and colorectal cancer syndrome (CRCS10). Also called: Colorectal cancer, susceptibility to, 10; Colorectal cancer 10; COLORECTAL CANCER, SUSCEPTIBILITY TO, ON CHROMOSOME 19q. Identifiers: Orphanet 220460, MedGen C2675481, MONDO:0012953, OMIM 612591.
Hereditary cancer-predisposing syndrome. Also called: Hereditary Cancer Syndrome; Hereditary neoplastic syndrome; Neoplastic Syndromes, Hereditary; Tumor predisposition. Identifiers: Orphanet 140162, MedGen C0027672, MeSH D009386, MONDO:0015356.

Submissions (3):

Myriad Genetics, Inc.
Classification: Benign for POLD1-related polyposis and colorectal cancer syndrome. Last evaluated: 2025-02-06. Review status: criteria provided, single submitter. Criteria: Myriad Autosomal Dominant, Autosomal Recessive and X-Linked Classification Criteria (2023). Collection method: clinical testing. Allele origin: unknown.
Comment: This variant is considered benign. This variant is a silent/synonymous amino acid change and it is not expected to impact splicing.

Labcorp Genetics (formerly Invitae), Labcorp
Classification: Likely benign for POLD1-related polyposis and colorectal cancer syndrome. Last evaluated: 2023-09-11. Review status: criteria provided, single submitter. Criteria: Invitae Variant Classification Sherloc (09022015). Collection method: clinical testing. Allele origin: germline.

Ambry Genetics
Classification: Likely benign for Hereditary cancer-predisposing syndrome. Last evaluated: 2018-04-02. Review status: criteria provided, single submitter. Criteria: Ambry Variant Classification Scheme 2023. Collection method: clinical testing. Allele origin: germline.

NM_002691.4(POLD1):c.1572G>A (p.Glu524=)

Gene: POLD1 (DNA polymerase delta 1, catalytic subunit; plus strand). Cytogenetic location: 19q13.33.
Variant type: single nucleotide variant.
Coding change: c.1572G>A on transcript NM_002691.4 (MANE Select); coding-DNA position 1572, G replaced by A.
Protein change: p.Glu524=; no amino-acid change (glutamic acid 524 retained).
Molecular consequence: synonymous variant. On other transcripts: non-coding transcript variant (1).
Genome position (GRCh38, 1-based): chr19:50,407,060, G>A. VCF-style: chr19-50407060-G-A. GRCh37 (hg19) VCF-style: chr19-50910317-G-A.
Other names: c.1572G>A, p.Glu524= (NM_001256849.1, NM_001308632.1).
Identifiers: ClinVar variation 765287 (VCV000765287.15), dbSNP rs1601219373, ClinGen allele CA508184010.